The following is an entry in ClinVar:

ClinVar aggregate classification (germline): Uncertain significance (1 of 4 stars; one submission).

gnomAD v4.1: 6 of 1,614,242 alleles (0.00037%); highest among the groups gnomAD compares: Non-Finnish European, 0.00051%; no homozygotes.

Submission:

Women's Health and Genetics/Laboratory Corporation of America, LabCorp
Classification: Uncertain significance. Last evaluated: 2024-10-17. Review status: criteria provided, single submitter. Criteria: LabCorp Variant Classification Summary - May 2015. Collection method: clinical testing. Allele origin: germline.
Comment: Variant summary: ANK3 c.12596-366C>T is located at a position not widely known to affect splicing. Consensus agreement among computation tools predict no significant impact on normal splicing. However, these predictions have yet to be confirmed by functional studies. The variant allele was found at a frequency of 3.7e-06 in 1607268 control chromosomes in the gnomAD database (v4.1 dataset). The available data on variant occurrences in the general population are insufficient to allow any conclusion about variant significance. To our knowledge, no occurrence of c.12596-366C>T in individuals affected with Mental Retardation, Autosomal Recessive 37 and no experimental evidence demonstrating its impact on protein function have been reported. No submitters have cited clinical-significance assessments for this variant to ClinVar. Based on the evidence outlined above, the variant was classified as uncertain significance.

NM_020987.5(ANK3):c.12596-366C>T

Gene: ANK3 (ankyrin 3; minus strand). Cytogenetic location: 10q21.2.
Variant type: single nucleotide variant.
Coding change: c.12596-366C>T on transcript NM_020987.5 (MANE Select); 366 bases into the intron before coding-DNA position 12596, C replaced by T.
Molecular consequence: intron variant. On other transcripts: missense variant (4).
Genome position (GRCh38, 1-based): chr10:60,059,796, G>A on the plus strand (C>T on the coding strand, the complement: ANK3 is on the minus strand). VCF-style: chr10-60059796-G-A. GRCh37 (hg19) VCF-style: chr10-61819554-G-A.
Other names: c.2369C>T, p.Ala790Val (NM_001149.4); c.4949C>T, p.Ala1650Val (NM_001204403.2); c.4970C>T, p.Ala1657Val (NM_001204404.2); c.4967C>T, p.Ala1656Val (NM_001320874.2); short protein forms A1650V, A1656V, A1657V, A790V.
Identifiers: ClinVar variation 3385220 (VCV003385220.1).